The following is an entry in ClinVar:

ClinVar aggregate classification (germline): Pathogenic. Review status: criteria provided, single submitter (1 of 4 stars). 2 submissions from 2 submitters: Pathogenic (1). 1 of the submissions does not count toward it. Last evaluated 2024-02-12.

Conditions:
Curry-Hall syndrome (WAD). Also called: WEYERS ACRODENTAL DYSOSTOSIS. Identifiers: Orphanet 952, MedGen C0457013, MONDO:0008673, OMIM 193530.
Ellis-van Creveld syndrome (EVC). Also called: EVC-Related Ellis-van Creveld Syndrome; EVC2-Related Ellis-van Creveld Syndrome; MESOECTODERMAL DYSPLASIA; Chondroectodermal dysplasia. Identifiers: Orphanet 289, MedGen C0013903, MONDO:0009162, OMIM 225500.

Allele frequency attached by ClinVar (database versions not stated): gnomAD 0.00001; TOPMed 0.00001.
gnomAD v4.1: 2 of 1,613,798 alleles (0.00012%); highest among the groups gnomAD compares: Non-Finnish European, 0.00017%; no homozygotes.

Submissions (2):

Labcorp Genetics (formerly Invitae), Labcorp
Classification: Pathogenic for Curry-Hall syndrome; Ellis-van Creveld syndrome. Last evaluated: 2024-02-12. Review status: criteria provided, single submitter. Criteria: Invitae Variant Classification Sherloc (09022015). Collection method: clinical testing. Allele origin: germline.
Comment: This sequence change affects an acceptor splice site in intron 5 of the EVC2 gene. It is expected to disrupt RNA splicing. Variants that disrupt the donor or acceptor splice site typically lead to a loss of protein function (PMID: 16199547), and loss-of-function variants in EVC2 are known to be pathogenic (PMID: 17024374, 19810119, 19876929). This variant is not present in population databases (gnomAD no frequency). Disruption of this splice site has been observed in individual(s) with Ellis-van Creveld syndrome and/or Ellis–van Creveld syndrome (PMID: 21815252). In at least one individual the data is consistent with being in trans (on the opposite chromosome) from a pathogenic variant. ClinVar contains an entry for this variant (Variation ID: 30664). Algorithms developed to predict the effect of sequence changes on RNA splicing suggest that this variant may disrupt the consensus splice site. For these reasons, this variant has been classified as Pathogenic.

OMIM
Classification: Pathogenic for ELLIS-VAN CREVELD SYNDROME. Last evaluated: 2011-09-01. Review status: no assertion criteria provided. Collection method: literature only. Allele origin: germline. Not counted in ClinVar's aggregate classification.

Literature cited by the submitters: PubMed 16199547 (cited by Labcorp Genetics (formerly Invitae), Labcorp); PubMed 17024374 (cited by Labcorp Genetics (formerly Invitae), Labcorp); PubMed 19810119 (cited by Labcorp Genetics (formerly Invitae), Labcorp); PubMed 19876929 (cited by Labcorp Genetics (formerly Invitae), Labcorp); PubMed 21815252 (cited by Labcorp Genetics (formerly Invitae), Labcorp and OMIM).

NM_147127.5(EVC2):c.707-2A>G

Gene: EVC2 (EvC ciliary complex subunit 2; minus strand). Cytogenetic location: 4p16.2.
Variant type: single nucleotide variant.
Coding change: c.707-2A>G on transcript NM_147127.5 (MANE Select); the canonical splice acceptor site of the intron before coding-DNA position 707, A replaced by G.
Molecular consequence: splice acceptor variant.
Genome position (GRCh38, 1-based): chr4:5,685,481, T>C on the plus strand (A>G on the coding strand, the complement: EVC2 is on the minus strand). VCF-style: chr4-5685481-T-C. GRCh37 (hg19) VCF-style: chr4-5687208-T-C.
Other names: IVS5, A-G, -2; c.467-2A>G (NM_001166136.2).
Identifiers: ClinVar variation 30664 (VCV000030664.3), dbSNP rs1302074641, ClinGen allele CA356147107.
Genomic context (GRCh38, chr4:5,685,481, plus strand): 5'-GTTCCCGAGGTCTCCAGCCTGGAGCGTGGCTGCGTAGCTGACAGCAAAGGCATCTCCCAC[T>C]GCGCAGAGAAAAGCACATGTGACTCAGGGAGGGCTTGGCCACGCCCCCGGCTGCACCCCA-3'